The following is an entry in ClinVar:

ClinVar aggregate classification (germline): Conflicting classifications of pathogenicity. Review status: criteria provided, conflicting classifications (1 of 4 stars). 2 submissions from 2 submitters: Uncertain significance (1); Likely benign (1). Last evaluated 2024-11-14.

Conditions:
Inborn genetic diseases. Identifiers: MedGen C0950123, MeSH D030342.
Luscan-Lumish syndrome. Identifiers: Orphanet 597738, MedGen C4085873, MONDO:0014791, OMIM 616831.

Allele frequency attached by ClinVar (database versions not stated): gnomAD 0.00002; ExAC 0.00003; gnomAD exomes 0.00005 and 0.00003; TOPMed 0.00004.
gnomAD v4.1: 20 of 1,613,974 alleles (0.0012%); highest among the groups gnomAD compares: Admixed American, 0.032%; no homozygotes.

Submissions (2):

Ambry Genetics
Classification: Likely benign for Inborn genetic diseases. Last evaluated: 2024-11-14. Review status: criteria provided, single submitter. Criteria: Ambry Variant Classification Scheme 2023. Collection method: clinical testing. Allele origin: germline.

Labcorp Genetics (formerly Invitae), Labcorp
Classification: Uncertain significance for Luscan-Lumish syndrome. Last evaluated: 2024-09-06. Review status: criteria provided, single submitter. Criteria: Invitae Variant Classification Sherloc (09022015). Collection method: clinical testing. Allele origin: germline.
Comment: This sequence change replaces serine, which is neutral and polar, with alanine, which is neutral and non-polar, at codon 742 of the SETD2 protein (p.Ser742Ala). This variant is present in population databases (rs774644234, gnomAD 0.03%). This variant has not been reported in the literature in individuals affected with SETD2-related conditions. ClinVar contains an entry for this variant (Variation ID: 542219). Invitae Evidence Modeling of protein sequence and biophysical properties (such as structural, functional, and spatial information, amino acid conservation, physicochemical variation, residue mobility, and thermodynamic stability) indicates that this missense variant is not expected to disrupt SETD2 protein function with a negative predictive value of 80%. In summary, the available evidence is currently insufficient to determine the role of this variant in disease. Therefore, it has been classified as a Variant of Uncertain Significance.

NM_014159.7(SETD2):c.2224T>G (p.Ser742Ala)

Gene: SETD2 (SET domain containing 2, histone lysine methyltransferase; minus strand). Cytogenetic location: 3p21.31.
Variant type: single nucleotide variant.
Coding change: c.2224T>G on transcript NM_014159.7 (MANE Select); coding-DNA position 2224, T replaced by G.
Protein change: p.Ser742Ala; replaces serine 742 with alanine.
Molecular consequence: missense variant. On other transcripts: non-coding transcript variant (1).
Genome position (GRCh38, 1-based): chr3:47,122,412, A>C on the plus strand (T>G on the coding strand, the complement: SETD2 is on the minus strand). VCF-style: chr3-47122412-A-C. GRCh37 (hg19) VCF-style: chr3-47163902-A-C.
Other names: c.2092T>G, p.Ser698Ala (NM_001349370.3); short protein forms S742A, S698A.
Identifiers: ClinVar variation 542219 (VCV000542219.5), dbSNP rs774644234, ClinGen allele CA2363567.